The following is an entry in ClinVar:

ClinVar aggregate classification (germline): Uncertain significance (1 of 4 stars; one submission).

Submission:

Ambry Genetics
Classification: Uncertain significance. Last evaluated: 2024-11-23. Review status: criteria provided, single submitter. Criteria: Ambry Variant Classification Scheme 2023. Collection method: clinical testing. Allele origin: germline.
Comment: The p.A569P variant (also known as c.1705G>C), located in coding exon 1 of the TET2 gene, results from a G to C substitution at nucleotide position 1705. The alanine at codon 569 is replaced by proline, an amino acid with highly similar properties. This amino acid position is conserved. In addition, this alteration is predicted to be tolerated by in silico analysis. Based on the available evidence, the clinical significance of this variant remains unclear.

NM_001127208.3(TET2):c.1705G>C (p.Ala569Pro)

Genes: TET2 (tet methylcytosine dioxygenase 2; plus strand), TET2-AS1 (TET2 antisense RNA 1; minus strand). Cytogenetic location: 4q24.
Variant type: single nucleotide variant.
Coding change: c.1705G>C on transcript NM_001127208.3 (MANE Select); coding-DNA position 1705, G replaced by C.
Protein change: p.Ala569Pro; replaces alanine 569 with proline.
Molecular consequence: missense variant.
Genome position (GRCh38, 1-based): chr4:105,235,647, G>C. VCF-style: chr4-105235647-G-C. GRCh37 (hg19) VCF-style: chr4-106156804-G-C.
Other names: c.1705G>C, p.Ala569Pro (NM_017628.4); short protein forms A569P.
Identifiers: ClinVar variation 3455323 (VCV003455323.1).